The following is an entry in ClinVar:

NM_000158.4(GBE1):c.348del (p.Lys116fs)

Gene: GBE1 (1,4-alpha-glucan branching enzyme 1; minus strand). Cytogenetic location: 3p12.2.
Variant type: Deletion.
Coding change: c.348del on transcript NM_000158.4 (MANE Select); coding-DNA position 348, one base deleted (A; older notation c.348delA).
Protein change: p.Lys116fs; shifts the reading frame from lysine 116.
Molecular consequence: frameshift variant.
Genome position (GRCh38, 1-based): chr3:81,670,919, T deleted on the plus strand (A on the coding strand, the reverse complement: GBE1 is on the minus strand); the first of 6 consecutive T bases (chr3:81,670,919-81,670,924); deleting any one gives the same sequence. VCF-style (leftmost placement, unchanged base first): chr3-81670918-GT-G. GRCh37 (hg19) VCF-style: chr3-81720069-GT-G.
Other names: short protein forms K116fs.
Identifiers: ClinVar variation 5014579 (VCV005014579.1).
Genomic context (GRCh38, chr3:81,670,918, plus strand): 5'-GCACGAGTACAGATTTATTCTGCTTTGGTGGGATATACAGCTCCCATTTTCCATAATCCA[GT>G]TTTTTGTATGGGTACGAAAATGGATTCCAACCATCTAAAAAAATGAAGAAGATCAGTTAA-3'

ClinVar aggregate classification (germline): Pathogenic (1 of 4 stars; one submission).

Conditions:
Glycogen storage disease, type IV (GSD4). Also called: AMYLOPECTINOSIS; ANDERSEN DISEASE; BRANCHER DEFICIENCY; CIRRHOSIS, FAMILIAL, WITH DEPOSITION OF ABNORMAL GLYCOGEN; GBE1 DEFICIENCY; GLYCOGEN BRANCHING ENZYME DEFICIENCY. Identifiers: Orphanet 367, MedGen C0017923, MONDO:0009292, OMIM 232500.

Submission:

Myriad Genetics, Inc.
Classification: Pathogenic for Glycogen storage disease, type IV. Last evaluated: 2025-06-10. Review status: criteria provided, single submitter. Criteria: Myriad Autosomal Dominant, Autosomal Recessive and X-Linked Classification Criteria (2023). Collection method: clinical testing. Allele origin: unknown.
Comment: NM_000158.3(GBE1):c.348delA(K116Nfs*27) is expected to be pathogenic in the context of glycogen storage disease, GBE1-related. This variant is predicted to lead to an abnormal or absent protein product due to the creation of a premature termination codon in GBE1, a gene where loss-of-function variants are known to be pathogenic. Please note: this variant was assessed in the context of healthy population screening.